The following is an entry in ClinVar:

NM_173630.4(RTTN):c.1008-294A>G

Gene: RTTN (rotatin; minus strand). Cytogenetic location: 18q22.2.
Variant type: single nucleotide variant.
Coding change: c.1008-294A>G on transcript NM_173630.4 (MANE Select); 294 bases into the intron before coding-DNA position 1008, A replaced by G.
Molecular consequence: intron variant.
Genome position (GRCh38, 1-based): chr18:70,191,013, T>C on the plus strand (A>G on the coding strand, the complement: RTTN is on the minus strand). VCF-style: chr18-70191013-T-C. GRCh37 (hg19) VCF-style: chr18-67858249-T-C.
Other names: c.-1546-294A>G (NM_001318520.2).
Identifiers: ClinVar variation 684134 (VCV000684134.1), dbSNP rs283247, ClinGen allele CA301957027.

ClinVar aggregate classification (germline): Benign (1 of 4 stars; one submission).

Allele frequency attached by ClinVar (database versions not stated): 1000 Genomes Project 30x 0.94941; TOPMed 0.95216; 1000 Genomes Project 0.95228; gnomAD 0.95463 and 0.95784.
gnomAD v4.1: 145,767 of 152,106 alleles (96%); highest among the groups gnomAD compares: East Asian, 100%; 70,166 homozygotes.

Submission:

GeneDx
Classification: Benign. Last evaluated: 2018-06-19. Review status: criteria provided, single submitter. Criteria: GeneDx Variant Classification (06012015). Collection method: clinical testing. Allele origin: germline. Affected: yes.
Comment: This variant is considered likely benign or benign based on one or more of the following criteria: it is a conservative change, it occurs at a poorly conserved position in the protein, it is predicted to be benign by multiple in silico algorithms, and/or has population frequency not consistent with disease.